The following is an entry in ClinVar:

NM_001267550.2(TTN):c.10184T>C (p.Phe3395Ser)

Gene: TTN (titin; minus strand). Cytogenetic location: 2q31.2.
Variant type: single nucleotide variant.
Coding change: c.10184T>C on transcript NM_001267550.2 (MANE Select); coding-DNA position 10184, T replaced by C.
Protein change: p.Phe3395Ser; replaces phenylalanine 3395 with serine.
Molecular consequence: missense variant.
Genome position (GRCh38, 1-based): chr2:178,759,103, A>G on the plus strand (T>C on the coding strand, the complement: TTN is on the minus strand). VCF-style: chr2-178759103-A-G. GRCh37 (hg19) VCF-style: chr2-179623830-A-G.
Other names: c.10184T>C, p.Phe3395Ser (NM_001256850.1, NM_133378.4, NM_133379.5); c.10046T>C, p.Phe3349Ser (NM_003319.4, NM_133432.3, NM_133437.4); short protein forms F3349S, F3395S.
Identifiers: ClinVar variation 4856268 (VCV004856268.1).

ClinVar aggregate classification (germline): Uncertain significance (1 of 4 stars; one submission).

Conditions:
TTN-related disorder. Also called: TTN-related condition; TTN-related disease; TTN-related disorders.

gnomAD v4.1: 1 of 1,614,024 alleles (0.000062%); highest among the groups gnomAD compares: Non-Finnish European, 0.000085%; no homozygotes.

Submission:

3billion
Classification: Uncertain significance for TTN-related disorder. Last evaluated: 2025-12-18. Review status: criteria provided, single submitter. Criteria: ACMG Guidelines, 2015. Collection method: clinical testing. Allele origin: germline. Affected: yes.
Comment: The variant is observed at an extremely low frequency in the gnomAD v4.1.0 dataset (total allele frequency: <0.001%). Predicted Consequence/Location: Missense variant. The majority of the known disease-causing variants of this gene are variants expected to result in premature termination of the protein. In silico tool predictions suggest damaging effect of the variant on gene or gene product [REVEL: 0.63 (>=0.6, sensitivity 0.68 and specificity 0.92)]. Therefore, this variant is classified as VUS according to the recommendation of ACMG/AMP guideline.